The following is an entry in ClinVar:

ClinVar aggregate classification (germline): Uncertain significance (1 of 4 stars; one submission).

Conditions:
Bone marrow failure syndrome. Identifiers: MedGen C2931245, MONDO:0000159.

Submission:

St. Jude Molecular Pathology, St. Jude Children's Research Hospital
Classification: Uncertain significance for Bone marrow failure syndrome. Last evaluated: 2026-10-01. Review status: criteria provided, single submitter. Criteria: St. Jude Assertion Criteria 2020. Collection method: clinical testing. Allele origin: germline.
Comment: The TUBB c.942del p.(Ala3 15LeufsTer9) variant deletes one nucleotide, resulting in a frameshift and premature termination codon. This variant is not predicted to undergo nonsense-mediated decay and is therefore expected to produce a truncated protein. Functional studies of patho genic TUBB missense variants support a dominant-negative mechanism through disruption of microtubule organization (PMID: 36206299, 36207145). However, the pathogenic mechanism of truncating TUBB variants has not yet been described in the literature. Alth ough this variant has not been reported in the literature in individuals with TUBB-related disease, other truncating variants have been identified in individuals with bone marrow failure syndrome with thrombocytopenia (internal communication). This varia nt is absent from gnomAD v2.1.1. In summary, the evidence currently available is insufficient to determine the clinical significance of this variant. It has therefore been classified as of uncertain significance.

NM_178014.4(TUBB):c.942del (p.Ala315fs)

Gene: TUBB (tubulin beta class I; plus strand). Cytogenetic location: 6p21.33.
Variant type: Deletion.
Coding change: c.942del on transcript NM_178014.4 (MANE Select); coding-DNA position 942, one base deleted (T; older notation c.942delT).
Protein change: p.Ala315fs; shifts the reading frame from alanine 315.
Molecular consequence: frameshift variant. On other transcripts: non-coding transcript variant (1), intron variant (1).
Genome position (GRCh38, 1-based): chr6:30,724,004, T deleted. VCF-style (leftmost placement, unchanged base first): chr6-30724003-CT-C. GRCh37 (hg19) VCF-style: chr6-30691780-CT-C.
Other names: c.1002del, p.Ala335fs (NM_001293212.2); c.810del, p.Ala271fs (NM_001293214.2); c.726del, p.Ala243fs (NM_001293215.2, NM_001293216.2); c.370-34del (NM_001293213.2); short protein forms A243fs, A271fs, A315fs, A335fs.
Identifiers: ClinVar variation 5043404 (VCV005043404.1).